The following is an entry in ClinVar:

ClinVar aggregate classification (germline): Conflicting classifications of pathogenicity. Review status: criteria provided, conflicting classifications (1 of 4 stars). 5 submissions from 5 submitters: Uncertain significance (1); Likely benign (4). Last evaluated 2026-02-01.

Conditions:
PHKB-related disorder. Also called: PHKB-related condition.
Glycogen storage disease IXb (GSD9B). Also called: GLYCOGENOSIS OF LIVER AND MUSCLE, AUTOSOMAL RECESSIVE; GSD IXb; PHOSPHORYLASE KINASE DEFICIENCY OF LIVER AND MUSCLE, AUTOSOMAL RECESSIVE. Identifiers: Orphanet 79240, MedGen C0543514, MONDO:0009868, OMIM 261750.

Allele frequency attached by ClinVar (database versions not stated): ExAC 0.00014; gnomAD exomes 0.00020 and 0.00046; gnomAD 0.00025 and 0.00029; TOPMed 0.00028.
gnomAD v4.1: 662 of 1,545,412 alleles (0.043%); highest among the groups gnomAD compares: Non-Finnish European, 0.057%; 1 homozygote.

Submissions (5):

Labcorp Genetics (formerly Invitae), Labcorp
Classification: Likely benign for Glycogen storage disease IXb. Last evaluated: 2026-02-01. Review status: criteria provided, single submitter. Criteria: Invitae Variant Classification Sherloc (09022015). Collection method: clinical testing. Allele origin: germline.

Blueprint Genetics
Classification: Likely benign. Last evaluated: 2024-10-25. Review status: criteria provided, single submitter. Criteria: ACMG Guidelines, 2015. Collection method: clinical testing. Allele origin: germline.

PreventionGenetics, part of Exact Sciences
Classification: Likely benign for PHKB-related condition. Last evaluated: 2024-10-08. Review status: criteria provided, single submitter. Criteria: ACMG Guidelines, 2015. Collection method: clinical testing. Allele origin: germline.
Comment: This variant is classified as likely benign based on ACMG/AMP sequence variant interpretation guidelines (Richards et al. 2015 PMID: 25741868, with internal and published modifications).

Illumina Laboratory Services, Illumina
Classification: Uncertain significance for Glycogen storage disease IXb. Last evaluated: 2018-01-12. Review status: criteria provided, single submitter. Criteria: ICSL Variant Classification Criteria 13 December 2019. Collection method: clinical testing. Allele origin: germline.

GeneDx
Classification: Likely benign. Last evaluated: 2016-11-28. Review status: criteria provided, single submitter. Criteria: GeneDx Variant Classification (06012015). Collection method: clinical testing. Allele origin: germline. Affected: yes.
Comment: This variant is considered likely benign or benign based on one or more of the following criteria: it is a conservative change, it occurs at a poorly conserved position in the protein, it is predicted to be benign by multiple in silico algorithms, and/or has population frequency not consistent with disease.

NM_000293.3(PHKB):c.1364-10T>C

Gene: PHKB (phosphorylase kinase regulatory subunit beta; plus strand). Cytogenetic location: 16q12.1.
Variant type: single nucleotide variant.
Coding change: c.1364-10T>C on transcript NM_000293.3 (MANE Select); 10 bases into the intron before coding-DNA position 1364, T replaced by C.
Molecular consequence: intron variant.
Genome position (GRCh38, 1-based): chr16:47,610,816, T>C. VCF-style: chr16-47610816-T-C. GRCh37 (hg19) VCF-style: chr16-47644727-T-C.
Other names: c.1364-10T>C (NM_001363837.1); c.1343-10T>C (NM_001031835.3, NM_001031835.2).
Identifiers: ClinVar variation 391211 (VCV000391211.18), dbSNP rs199899291, ClinGen allele CA8040797.